The following is an entry in ClinVar:

NM_000237.3(LPL):c.886G>A (p.Ala296Thr)

Gene: LPL (lipoprotein lipase; plus strand). Cytogenetic location: 8p21.3.
Variant type: single nucleotide variant.
Coding change: c.886G>A on transcript NM_000237.3 (MANE Select); coding-DNA position 886, G replaced by A.
Protein change: p.Ala296Thr; replaces alanine 296 with threonine.
Molecular consequence: missense variant.
Genome position (GRCh38, 1-based): chr8:19,955,951, G>A. VCF-style: chr8-19955951-G-A. GRCh37 (hg19) VCF-style: chr8-19813462-G-A.
Other names: c.886G>A (NM_000237.2); short protein forms A296T.
Identifiers: ClinVar variation 1684867 (VCV001684867.2), dbSNP rs746740949, ClinGen allele CA4655554.

ClinVar aggregate classification (germline): Uncertain significance. Review status: criteria provided, multiple submitters, no conflicts (2 of 4 stars). 2 submissions from 2 submitters: Uncertain significance (2). Last evaluated 2025-05-01.

Conditions:
Cardiovascular phenotype. Identifiers: MedGen CN230736.

gnomAD v4.1: 7 of 1,614,146 alleles (0.00043%); highest among the groups gnomAD compares: Non-Finnish European, 0.00059%; no homozygotes.

Submissions (2):

Ambry Genetics
Classification: Uncertain significance for Cardiovascular phenotype. Last evaluated: 2025-05-01. Review status: criteria provided, single submitter. Criteria: Ambry Variant Classification Scheme 2023. Collection method: clinical testing. Allele origin: germline.
Comment: The p.A296T variant (also known as c.886G>A), located in coding exon 6 of the LPL gene, results from a G to A substitution at nucleotide position 886. The alanine at codon 296 is replaced by threonine, an amino acid with similar properties. This amino acid position is well conserved in available vertebrate species. In addition, this alteration is predicted to be tolerated by in silico analysis. Based on the available evidence, the clinical significance of this variant remains unclear.

Mendelics
Classification: Uncertain significance. Last evaluated: 2022-05-04. Review status: criteria provided, single submitter. Criteria: Mendelics Assertion Criteria 2019. Collection method: clinical testing. Allele origin: germline.